The following is an entry in ClinVar:

ClinVar aggregate classification (germline): Pathogenic (1 of 4 stars; one submission).

Allele frequency attached by ClinVar (database versions not stated): ExAC 0.00005; ESP Exome Variant Server 0.00008; TOPMed below 0.00001; gnomAD exomes 0.00004.
gnomAD v4.1: 53 of 1,614,036 alleles (0.0033%); highest among the groups gnomAD compares: Non-Finnish European, 0.0044%; no homozygotes.

Submission:

GeneDx
Classification: Pathogenic. Last evaluated: 2025-01-28. Review status: criteria provided, single submitter. Criteria: GeneDx Variant Classification Process June 2021. Collection method: clinical testing. Allele origin: germline. Affected: yes.
Comment: Canonical splice site variant predicted to result in a null allele in a gene for which loss of function is a known mechanism of disease; This variant is associated with the following publications: (PMID: 20979233)

NM_022336.4(EDAR):c.442+1G>A

Genes: EDAR (ectodysplasin A receptor; minus strand), RANBP2 (RAN binding protein 2; plus strand). Cytogenetic location: 2q13.
Variant type: single nucleotide variant.
Coding change: c.442+1G>A on transcript NM_022336.4 (MANE Select); the canonical splice donor site of the intron after coding-DNA position 442, G replaced by A.
Molecular consequence: splice donor variant.
Genome position (GRCh38, 1-based): chr2:108,923,367, C>T on the plus strand (G>A on the coding strand, the complement: EDAR is on the minus strand). VCF-style: chr2-108923367-C-T. GRCh37 (hg19) VCF-style: chr2-109539823-C-T.
Identifiers: ClinVar variation 431815 (VCV000431815.4), dbSNP rs368841777, ClinGen allele CA1825088.
Genomic context (GRCh38, chr2:108,923,367, plus strand): 5'-TGTAGTGAAAGGGATCCGTGCTGAACAAATACCGTGCTGGTGGAAGGACAAAGACACTCA[C>T]ATTCCTTGGTGTTGGGGGGTGCCAGGAGGCAGGAGTAGCAGACCATGCCATAGATGTTCC-3'